The following is an entry in ClinVar:

ClinVar aggregate classification (germline): Uncertain significance (1 of 4 stars; one submission).

Conditions:
Hereditary sensory neuropathy-deafness-dementia syndrome. Also called: NEUROPATHY, HEREDITARY SENSORY, WITH HEARING LOSS AND DEMENTIA; Hereditary Sensory and Autonomic Neuropathy Type 1E (HSAN1E); Hereditary sensory neuropathy type IE; HSN IE. Identifiers: Orphanet 456318, MedGen C3279885, MONDO:0013584, OMIM 614116.

Submission:

Labcorp Genetics (formerly Invitae), Labcorp
Classification: Uncertain significance for Hereditary sensory neuropathy-deafness-dementia syndrome. Last evaluated: 2022-10-22. Review status: criteria provided, single submitter. Criteria: Invitae Variant Classification Sherloc (09022015). Collection method: clinical testing. Allele origin: germline.
Comment: In summary, the available evidence is currently insufficient to determine the role of this variant in disease. Therefore, it has been classified as a Variant of Uncertain Significance. Advanced modeling of protein sequence and biophysical properties (such as structural, functional, and spatial information, amino acid conservation, physicochemical variation, residue mobility, and thermodynamic stability) performed at Invitae indicates that this missense variant is not expected to disrupt DNMT1 protein function. This variant has not been reported in the literature in individuals affected with DNMT1-related conditions. This variant is not present in population databases (gnomAD no frequency). This sequence change replaces proline, which is neutral and non-polar, with serine, which is neutral and polar, at codon 1085 of the DNMT1 protein (p.Pro1085Ser).

NM_001130823.3(DNMT1):c.3253C>T (p.Pro1085Ser)

Gene: DNMT1 (DNA methyltransferase 1; minus strand). Cytogenetic location: 19p13.2.
Variant type: single nucleotide variant.
Coding change: c.3253C>T on transcript NM_001130823.3 (MANE Select); coding-DNA position 3253, C replaced by T.
Protein change: p.Pro1085Ser; replaces proline 1085 with serine.
Molecular consequence: missense variant.
Genome position (GRCh38, 1-based): chr19:10,142,084, G>A on the plus strand (C>T on the coding strand, the complement: DNMT1 is on the minus strand). VCF-style: chr19-10142084-G-A. GRCh37 (hg19) VCF-style: chr19-10252760-G-A.
Other names: c.3205C>T, p.Pro1069Ser (NM_001318730.2, NM_001379.4); c.2890C>T, p.Pro964Ser (NM_001318731.2); short protein forms P1069S, P1085S, P964S.
Identifiers: ClinVar variation 1722045 (VCV001722045.5), dbSNP rs2513785903, ClinGen allele CA403974922.